The following is an entry in ClinVar:

ClinVar aggregate classification (germline): Uncertain significance (1 of 4 stars; one submission).

Submission:

Labcorp Genetics (formerly Invitae), Labcorp
Classification: Uncertain significance. Last evaluated: 2025-11-11. Review status: criteria provided, single submitter. Criteria: Invitae Variant Classification Sherloc (09022015). Collection method: clinical testing. Allele origin: germline.
Comment: This sequence change replaces asparagine, which is neutral and polar, with isoleucine, which is neutral and non-polar, at codon 2281 of the POLE protein (p.Asn2281Ile). This variant is not present in population databases (gnomAD no frequency). This variant has not been reported in the literature in individuals affected with POLE-related conditions. ClinVar contains an entry for this variant (Variation ID: 858863). An algorithm developed to predict the effect of missense changes on protein structure and function (PolyPhen-2) suggests that this variant is likely to be tolerated. In summary, the available evidence is currently insufficient to determine the role of this variant in disease. Therefore, it has been classified as a Variant of Uncertain Significance.

NM_006231.4(POLE):c.6842A>T (p.Asn2281Ile)

Gene: POLE (DNA polymerase epsilon, catalytic subunit; minus strand). Cytogenetic location: 12q24.33.
Variant type: single nucleotide variant.
Coding change: c.6842A>T on transcript NM_006231.4 (MANE Select); coding-DNA position 6842, A replaced by T.
Protein change: p.Asn2281Ile; replaces asparagine 2281 with isoleucine.
Molecular consequence: missense variant.
Genome position (GRCh38, 1-based): chr12:132,624,716, T>A on the plus strand (A>T on the coding strand, the complement: POLE is on the minus strand). VCF-style: chr12-132624716-T-A. GRCh37 (hg19) VCF-style: chr12-133201302-T-A.
Other names: short protein forms N2281I.
Identifiers: ClinVar variation 858863 (VCV000858863.9), dbSNP rs1593693355, ClinGen allele CA387365597.